The following is an entry in ClinVar:

NM_000030.3(AGXT):c.660C>T (p.Ile220=)

Gene: AGXT (alanine--glyoxylate aminotransferase; plus strand). Cytogenetic location: 2q37.3.
Variant type: single nucleotide variant.
Coding change: c.660C>T on transcript NM_000030.3 (MANE Select); coding-DNA position 660, C replaced by T.
Protein change: p.Ile220=; no amino-acid change (isoleucine 220 retained).
Molecular consequence: synonymous variant.
Genome position (GRCh38, 1-based): chr2:240,874,042, C>T. VCF-style: chr2-240874042-C-T. GRCh37 (hg19) VCF-style: chr2-241813459-C-T.
Other names: c.660C>T (NM_000030.2).
Identifiers: ClinVar variation 1156272 (VCV001156272.12), dbSNP rs780078312, ClinGen allele CA2209183.

ClinVar aggregate classification (germline): Likely benign. Review status: criteria provided, multiple submitters, no conflicts (2 of 4 stars). 3 submissions from 3 submitters: Likely benign (2). 1 of the submissions does not count toward it. Last evaluated 2026-01-06.

Conditions:
Primary hyperoxaluria, type I (HP1). Also called: OXALOSIS I; Primary hyperoxaluria type 1; GLYCOLIC ACIDURIA; HEPATIC AGT DEFICIENCY. Identifiers: Orphanet 416, Orphanet 93598, MedGen C0268164, MONDO:0009823, OMIM 259900. Disease mechanism: loss of function.
AGXT-related disorder. Also called: AGXT-related condition.

Allele frequency attached by ClinVar (database versions not stated): gnomAD 0.00001; TOPMed 0.00005; gnomAD exomes 0.00006 and 0.00015; ExAC 0.00015.
gnomAD v4.1: 41 of 1,613,578 alleles (0.0025%); highest among the groups gnomAD compares: Admixed American, 0.067%; 1 homozygote.

Submissions (3):

Labcorp Genetics (formerly Invitae), Labcorp
Classification: Likely benign. Last evaluated: 2026-01-06. Review status: criteria provided, single submitter. Criteria: Invitae Variant Classification Sherloc (09022015). Collection method: clinical testing. Allele origin: germline.

Fulgent Genetics
Classification: Likely benign for Primary hyperoxaluria, type I. Last evaluated: 2022-04-01. Review status: criteria provided, single submitter. Criteria: ACMG Guidelines, 2015. Collection method: clinical testing. Allele origin: unknown.

PreventionGenetics, part of Exact Sciences
Classification: Likely benign for AGXT-related condition. Last evaluated: 2019-12-16. Review status: no assertion criteria provided. Collection method: clinical testing. Allele origin: germline. Not counted in ClinVar's aggregate classification.
Comment: This variant is classified as likely benign based on ACMG/AMP sequence variant interpretation guidelines (Richards et al. 2015 PMID: 25741868, with internal and published modifications).